The following is an entry in ClinVar:

NM_021620.4(PRDM13):c.751G>C (p.Gly251Arg)

Gene: PRDM13 (PR/SET domain 13; plus strand). Cytogenetic location: 6q16.2.
Variant type: single nucleotide variant.
Coding change: c.751G>C on transcript NM_021620.4 (MANE Select); coding-DNA position 751, G replaced by C.
Protein change: p.Gly251Arg; replaces glycine 251 with arginine.
Molecular consequence: missense variant.
Genome position (GRCh38, 1-based): chr6:99,613,386, G>C. VCF-style: chr6-99613386-G-C. GRCh37 (hg19) VCF-style: chr6-100061262-G-C.
Other names: short protein forms G251R.
Identifiers: ClinVar variation 1930507 (VCV001930507.5), dbSNP rs1212804041, ClinGen allele CA365116144.

ClinVar aggregate classification (germline): Uncertain significance (1 of 4 stars; one submission).

Allele frequency attached by ClinVar (database versions not stated): gnomAD 0.00001; gnomAD exomes 0.00001; TOPMed 0.00001.
gnomAD v4.1: 17 of 1,554,168 alleles (0.0011%); highest among the groups gnomAD compares: Non-Finnish European, 0.0014%; no homozygotes.

Submission:

Labcorp Genetics (formerly Invitae), Labcorp
Classification: Uncertain significance. Last evaluated: 2022-10-05. Review status: criteria provided, single submitter. Criteria: Invitae Variant Classification Sherloc (09022015). Collection method: clinical testing. Allele origin: germline.
Comment: Algorithms developed to predict the effect of missense changes on protein structure and function (SIFT, PolyPhen-2, Align-GVGD) all suggest that this variant is likely to be disruptive. In summary, the available evidence is currently insufficient to determine the role of this variant in disease. Therefore, it has been classified as a Variant of Uncertain Significance. This variant has not been reported in the literature in individuals affected with PRDM13-related conditions. The frequency data for this variant in the population databases is considered unreliable, as metrics indicate poor data quality at this position in the gnomAD database. This sequence change replaces glycine, which is neutral and non-polar, with arginine, which is basic and polar, at codon 251 of the PRDM13 protein (p.Gly251Arg).